The following is an entry in ClinVar:

ClinVar aggregate classification (germline): Uncertain significance (1 of 4 stars; one submission).

gnomAD v4.1: 1 of 1,613,070 alleles (0.000062%); highest among the groups gnomAD compares: Non-Finnish European, 0.000085%; no homozygotes.

Submission:

Ambry Genetics
Classification: Uncertain significance. Last evaluated: 2025-04-04. Review status: criteria provided, single submitter. Criteria: Ambry Variant Classification Scheme 2023. Collection method: clinical testing. Allele origin: germline.
Comment: The p.Y197C variant (also known as c.590A>G), located in coding exon 1 of the EGLN1 gene, results from an A to G substitution at nucleotide position 590. The tyrosine at codon 197 is replaced by cysteine, an amino acid with highly dissimilar properties. This amino acid position is conserved. In addition, this alteration is predicted to be tolerated by in silico analysis. Based on the available evidence, the clinical significance of this variant remains unclear.

NM_022051.3(EGLN1):c.590A>G (p.Tyr197Cys)

Gene: EGLN1 (egl-9 family hypoxia inducible factor 1; minus strand). Cytogenetic location: 1q42.2.
Variant type: single nucleotide variant.
Coding change: c.590A>G on transcript NM_022051.3 (MANE Select); coding-DNA position 590, A replaced by G.
Protein change: p.Tyr197Cys; replaces tyrosine 197 with cysteine.
Molecular consequence: missense variant.
Genome position (GRCh38, 1-based): chr1:231,421,299, T>C on the plus strand (A>G on the coding strand, the complement: EGLN1 is on the minus strand). VCF-style: chr1-231421299-T-C. GRCh37 (hg19) VCF-style: chr1-231557045-T-C.
Other names: c.590A>G, p.Tyr197Cys (NM_001377260.1, NM_001377261.1); short protein forms Y197C.
Identifiers: ClinVar variation 4016855 (VCV004016855.1).
Genomic context (GRCh38, chr1:231,421,299, plus strand): 5'-TCCTTGCCGAGGAAGTCGTCCACCACACAGATGCCGTGCTTGTTCATGCACGGCACGATG[T>C]ACTCGAGCGCCAGCTTCAGCGCCGGCAGGGGCTTCGTCTGCCCGTTGGGCCGCAGGCCGC-3'
Protein context (NP_071334.1, residues 187-207): PLPALKLALE[Tyr197Cys]IVPCMNKHGI